The following is an entry in ClinVar:

NM_144997.7(FLCN):c.191C>T (p.Ala64Val)

Gene: FLCN (folliculin; minus strand). Cytogenetic location: 17p11.2.
Variant type: single nucleotide variant.
Coding change: c.191C>T on transcript NM_144997.7 (MANE Select); coding-DNA position 191, C replaced by T.
Protein change: p.Ala64Val; replaces alanine 64 with valine.
Molecular consequence: missense variant.
Genome position (GRCh38, 1-based): chr17:17,227,947, G>A on the plus strand (C>T on the coding strand, the complement: FLCN is on the minus strand). VCF-style: chr17-17227947-G-A. GRCh37 (hg19) VCF-style: chr17-17131261-G-A.
Other names: c.191C>T, p.Ala64Val (NM_001353229.2, NM_001353230.2, NM_001353231.2 and 1 more transcripts); short protein forms A64V.
Identifiers: ClinVar variation 2059524 (VCV002059524.5), dbSNP rs2047305145, ClinGen allele CA398535133.
Genomic context (GRCh38, chr17:17,227,947, plus strand): 5'-GCCTCGCACATGTCCGACTTTTTGGGCCCCGGGCTGCTGGACTCGACGCTGGCCCCCTCT[G>A]CGGGGCTGTGCGCACGCATCCGACTGTTCATCTGAATGCCACCTTCCTCTTCTTCCGCCT-3'
Protein context (NP_659434.2, residues 54-74): MNSRMRAHSP[Ala64Val]EGASVESSSP

ClinVar aggregate classification (germline): Uncertain significance. Review status: criteria provided, multiple submitters, no conflicts (2 of 4 stars). 2 submissions from 2 submitters: Uncertain significance (2). Last evaluated 2024-01-30.

Conditions:
Birt-Hogg-Dube syndrome. Also called: Birt Hogg Dubé syndrome. Identifiers: Orphanet 122, MedGen C0346010, MONDO:0800444.
Hereditary cancer-predisposing syndrome. Also called: Neoplastic Syndromes, Hereditary; Hereditary Cancer Syndrome; Tumor predisposition; Hereditary neoplastic syndrome. Identifiers: Orphanet 140162, MedGen C0027672, MeSH D009386, MONDO:0015356.

Allele frequency attached by ClinVar (database versions not stated): gnomAD 0.00001.
gnomAD v4.1: 1 of 1,614,028 alleles (0.000062%); highest among the groups gnomAD compares: Non-Finnish European, 0.000085%; no homozygotes.

Submissions (2):

Labcorp Genetics (formerly Invitae), Labcorp
Classification: Uncertain significance for Birt-Hogg-Dube syndrome. Last evaluated: 2024-01-30. Review status: criteria provided, single submitter. Criteria: Invitae Variant Classification Sherloc (09022015). Collection method: clinical testing. Allele origin: germline.
Comment: This sequence change replaces alanine, which is neutral and non-polar, with valine, which is neutral and non-polar, at codon 64 of the FLCN protein (p.Ala64Val). This variant is not present in population databases (gnomAD no frequency). This variant has not been reported in the literature in individuals affected with FLCN-related conditions. ClinVar contains an entry for this variant (Variation ID: 2059524). Advanced modeling of protein sequence and biophysical properties (such as structural, functional, and spatial information, amino acid conservation, physicochemical variation, residue mobility, and thermodynamic stability) performed at Invitae indicates that this missense variant is not expected to disrupt FLCN protein function with a negative predictive value of 80%. In summary, the available evidence is currently insufficient to determine the role of this variant in disease. Therefore, it has been classified as a Variant of Uncertain Significance.

Ambry Genetics
Classification: Uncertain significance for Hereditary cancer-predisposing syndrome. Last evaluated: 2023-11-06. Review status: criteria provided, single submitter. Criteria: Ambry Variant Classification Scheme 2023. Collection method: clinical testing. Allele origin: germline.
Comment: The p.A64V variant (also known as c.191C>T), located in coding exon 1 of the FLCN gene, results from a C to T substitution at nucleotide position 191. The alanine at codon 64 is replaced by valine, an amino acid with similar properties. This amino acid position is conserved. In addition, the in silico prediction for this alteration is inconclusive. Since supporting evidence is limited at this time, the clinical significance of this alteration remains unclear.